The following is an entry in ClinVar:

NM_001009994.3(RIPPLY2):c.266A>G (p.Tyr89Cys)

Genes: RIPPLY2-CYB5R4 (RIPPLY2-CYB5R4 readthrough; plus strand), RIPPLY2 (ripply transcriptional repressor 2; plus strand). Cytogenetic location: 6q14.2.
Variant type: single nucleotide variant.
Coding change: c.266A>G on transcript NM_001009994.3 (MANE Select); coding-DNA position 266, A replaced by G.
Protein change: p.Tyr89Cys; replaces tyrosine 89 with cysteine.
Molecular consequence: missense variant. On other transcripts: 3 prime UTR variant (1), non-coding transcript variant (2), intron variant (1).
Genome position (GRCh38, 1-based): chr6:83,857,268, A>G. VCF-style: chr6-83857268-A-G. GRCh37 (hg19) VCF-style: chr6-84566987-A-G.
Other names: c.329A>G, p.Tyr110Cys (NM_001400899.1); c.*3103A>G (NM_001400900.1); c.-28+3107A>G (NM_001400774.1); short protein forms Y89C, Y110C.
Identifiers: ClinVar variation 3676740 (VCV003676740.2).
Genomic context (GRCh38, chr6:83,857,268, plus strand): 5'-TGAAAAAATAAAACATGTTGTCTGCTTCTTTCAGACTATTTTGGCCAAAATCAAAATGTT[A>G]TGATTACTTATATCAAGAAGCAGAAGCTCTTCTGAAAAATTTTCCAATTCAAGCCACAAT-3'
Protein context (NP_001009994.1, residues 79-99): VRLFWPKSKC[Tyr89Cys]DYLYQEAEAL

ClinVar aggregate classification (germline): Uncertain significance (1 of 4 stars; one submission).

gnomAD v4.1: 4 of 1,522,354 alleles (0.00026%); highest among the groups gnomAD compares: Non-Finnish European, 0.00035%; no homozygotes.

Submission:

Labcorp Genetics (formerly Invitae), Labcorp
Classification: Uncertain significance. Last evaluated: 2024-05-14. Review status: criteria provided, single submitter. Criteria: Invitae Variant Classification Sherloc (09022015). Collection method: clinical testing. Allele origin: germline.
Comment: This sequence change replaces tyrosine, which is neutral and polar, with cysteine, which is neutral and slightly polar, at codon 89 of the RIPPLY2 protein (p.Tyr89Cys). This variant is not present in population databases (gnomAD no frequency). This variant has not been reported in the literature in individuals affected with RIPPLY2-related conditions. An algorithm developed to predict the effect of missense changes on protein structure and function (PolyPhen-2) suggests that this variant is likely to be disruptive. In summary, the available evidence is currently insufficient to determine the role of this variant in disease. Therefore, it has been classified as a Variant of Uncertain Significance.